The following is an entry in ClinVar:

NM_032119.4(ADGRV1):c.7264C>T (p.Leu2422Phe)

Gene: ADGRV1 (adhesion G protein-coupled receptor V1; plus strand). Cytogenetic location: 5q14.3.
Variant type: single nucleotide variant.
Coding change: c.7264C>T on transcript NM_032119.4 (MANE Select); coding-DNA position 7264, C replaced by T.
Protein change: p.Leu2422Phe; replaces leucine 2422 with phenylalanine.
Molecular consequence: missense variant. On other transcripts: non-coding transcript variant (1).
Genome position (GRCh38, 1-based): chr5:90,694,020, C>T. VCF-style: chr5-90694020-C-T. GRCh37 (hg19) VCF-style: chr5-89989837-C-T.
Other names: short protein forms L2422F.
Identifiers: ClinVar variation 905823 (VCV000905823.6), dbSNP rs748779747, ClinGen allele CA3340006.
Genomic context (GRCh38, chr5:90,694,020, plus strand): 5'-GAGGAAGGTCAAGATTTACTGTCCTACTATGAATCTCCAATTCAAGGGGTGCCTGACCCA[C>T]TTTGGAGAACTTGGATGAATGTCTCTGCCGTGGGGGAGCCCCTGTATACCTGTGCCACTT-3'
Protein context (NP_115495.3, residues 2412-2432): ESPIQGVPDP[Leu2422Phe]WRTWMNVSAV

ClinVar aggregate classification (germline): Uncertain significance. Review status: criteria provided, multiple submitters, no conflicts (2 of 4 stars). 2 submissions from 2 submitters: Uncertain significance (2). Last evaluated 2021-08-28.

Conditions:
Usher syndrome type 2C. Also called: Usher syndrome, type 2B; USHER SYNDROME, TYPE IIC. Identifiers: Orphanet 231178, Orphanet 886, MedGen C2931213, MONDO:0011558, OMIM 605472.

Allele frequency attached by ClinVar (database versions not stated): ExAC 0.00001; gnomAD 0.00001; gnomAD exomes 0.00002 and 0.00003.

Submissions (2):

Labcorp Genetics (formerly Invitae), Labcorp
Classification: Uncertain significance. Last evaluated: 2021-08-28. Review status: criteria provided, single submitter. Criteria: Invitae Variant Classification Sherloc (09022015). Collection method: clinical testing. Allele origin: germline.
Comment: This sequence change replaces leucine with phenylalanine at codon 2422 of the ADGRV1 protein (p.Leu2422Phe). The leucine residue is weakly conserved and there is a small physicochemical difference between leucine and phenylalanine. This variant is present in population databases (rs748779747, ExAC 0.01%). This variant has not been reported in the literature in individuals affected with ADGRV1-related conditions. ClinVar contains an entry for this variant (Variation ID: 905823). Algorithms developed to predict the effect of missense changes on protein structure and function output the following: SIFT: "Tolerated"; PolyPhen-2: "Benign"; Align-GVGD: "Class C0". The phenylalanine amino acid residue is found in multiple mammalian species, which suggests that this missense change does not adversely affect protein function. In summary, the available evidence is currently insufficient to determine the role of this variant in disease. Therefore, it has been classified as a Variant of Uncertain Significance.

Illumina Laboratory Services, Illumina
Classification: Uncertain significance for Usher syndrome type 2C. Last evaluated: 2018-01-13. Review status: criteria provided, single submitter. Criteria: ICSL Variant Classification Criteria 13 December 2019. Collection method: clinical testing. Allele origin: germline.